The following is an entry in ClinVar:

NM_002334.4(LRP4):c.4928C>T (p.Pro1643Leu)

Genes: LRP4 (LDL receptor related protein 4; minus strand), LRP4-AS1 (LRP4 antisense RNA 1; plus strand). Cytogenetic location: 11p11.2.
Variant type: single nucleotide variant.
Coding change: c.4928C>T on transcript NM_002334.4 (MANE Select); coding-DNA position 4928, C replaced by T.
Protein change: p.Pro1643Leu; replaces proline 1643 with leucine.
Molecular consequence: missense variant.
Genome position (GRCh38, 1-based): chr11:46,868,623, G>A on the plus strand (C>T on the coding strand, the complement: LRP4 is on the minus strand). VCF-style: chr11-46868623-G-A. GRCh37 (hg19) VCF-style: chr11-46890174-G-A.
Other names: short protein forms P1643L.
Identifiers: ClinVar variation 304851 (VCV000304851.11), dbSNP rs767372563, ClinGen allele CA10630971.

ClinVar aggregate classification (germline): Uncertain significance. Review status: criteria provided, multiple submitters, no conflicts (2 of 4 stars). 4 submissions from 4 submitters: Uncertain significance (4). Last evaluated 2025-06-25.

Conditions:
Inborn genetic diseases. Identifiers: MedGen C0950123, MeSH D030342.
Cenani-Lenz syndactyly syndrome. Also called: SYNDACTYLY, TYPE VII; CENANI SYNDACTYLISM. Identifiers: Orphanet 3258, MedGen C1859309, MONDO:0008931, OMIM 212780.
Congenital myasthenic syndrome 17. Identifiers: Orphanet 590, MedGen C4225377, MONDO:0014578, OMIM 616304.
Sclerosteosis 2 (SOST2). Identifiers: Orphanet 3152, MedGen C3280402, MONDO:0013679, OMIM 614305.

Allele frequency attached by ClinVar (database versions not stated): TOPMed 0.00002; gnomAD 0.00003 and 0.00004.
gnomAD v4.1: 8 of 1,613,954 alleles (0.0005%); highest among the groups gnomAD compares: Admixed American, 0.012%; no homozygotes.

Submissions (4):

Ambry Genetics
Classification: Uncertain significance for Inborn genetic diseases. Last evaluated: 2025-06-25. Review status: criteria provided, single submitter. Criteria: Ambry Variant Classification Scheme 2023. Collection method: clinical testing. Allele origin: germline.

Fulgent Genetics
Classification: Uncertain significance for Cenani-Lenz syndactyly syndrome; Sclerosteosis 2; Congenital myasthenic syndrome 17. Last evaluated: 2024-03-22. Review status: criteria provided, single submitter. Criteria: ACMG Guidelines, 2015. Collection method: clinical testing. Allele origin: germline.

Labcorp Genetics (formerly Invitae), Labcorp
Classification: Uncertain significance for Cenani-Lenz syndactyly syndrome; Sclerosteosis 2; Congenital myasthenic syndrome 17. Last evaluated: 2022-07-19. Review status: criteria provided, single submitter. Criteria: Invitae Variant Classification Sherloc (09022015). Collection method: clinical testing. Allele origin: germline.
Comment: This sequence change replaces proline, which is neutral and non-polar, with leucine, which is neutral and non-polar, at codon 1643 of the LRP4 protein (p.Pro1643Leu). This variant is present in population databases (no rsID available, gnomAD no frequency). This variant has not been reported in the literature in individuals affected with LRP4-related conditions. ClinVar contains an entry for this variant (Variation ID: 304851). Algorithms developed to predict the effect of missense changes on protein structure and function are either unavailable or do not agree on the potential impact of this missense change (SIFT: "Deleterious"; PolyPhen-2: "Possibly Damaging"; Align-GVGD: "Class C0"). In summary, the available evidence is currently insufficient to determine the role of this variant in disease. Therefore, it has been classified as a Variant of Uncertain Significance.

Illumina Laboratory Services, Illumina
Classification: Uncertain significance for Cenani-Lenz syndactyly syndrome. Last evaluated: 2018-01-12. Review status: criteria provided, single submitter. Criteria: ICSL Variant Classification Criteria 13 December 2019. Collection method: clinical testing. Allele origin: germline.